The following is an entry in ClinVar:

ClinVar aggregate classification (germline): Uncertain significance (1 of 4 stars; one submission).

Conditions:
Koolen-de Vries syndrome (KDVS). Identifiers: Orphanet 96169, MedGen C1864871, MONDO:0012496, OMIM 610443.

gnomAD v4.1: 1 of 1,527,414 alleles (0.000065%); highest among the groups gnomAD compares: African/African-American, 0.0014%; no homozygotes.

Submission:

Labcorp Genetics (formerly Invitae), Labcorp
Classification: Uncertain significance for Koolen-de Vries syndrome. Last evaluated: 2024-08-27. Review status: criteria provided, single submitter. Criteria: Invitae Variant Classification Sherloc (09022015). Collection method: clinical testing. Allele origin: germline.
Comment: This sequence change replaces glycine, which is neutral and non-polar, with aspartic acid, which is acidic and polar, at codon 953 of the KANSL1 protein (p.Gly953Asp). This variant is not present in population databases (gnomAD no frequency). This variant has not been reported in the literature in individuals affected with KANSL1-related conditions. Invitae Evidence Modeling of protein sequence and biophysical properties (such as structural, functional, and spatial information, amino acid conservation, physicochemical variation, residue mobility, and thermodynamic stability) has been performed for this missense variant. However, the output from this modeling did not meet the statistical confidence thresholds required to predict the impact of this variant on KANSL1 protein function. In summary, the available evidence is currently insufficient to determine the role of this variant in disease. Therefore, it has been classified as a Variant of Uncertain Significance.

NM_015443.4(KANSL1):c.2858G>A (p.Gly953Asp)

Gene: KANSL1 (KAT8 regulatory NSL complex subunit 1). Cytogenetic location: 17q21.31.
Variant type: single nucleotide variant.
Coding change: c.2858G>A on transcript NM_015443.4 (MANE Select); coding-DNA position 2858, G replaced by A.
Protein change: p.Gly953Asp; replaces glycine 953 with aspartic acid.
Molecular consequence: missense variant. On other transcripts: intron variant (4).
Genome position (GRCh38, 1-based): chr17:46,032,279, C>T on the plus strand (G>A on the coding strand, the complement: KANSL1 is on the minus strand). VCF-style: chr17-46032279-C-T. GRCh37 (hg19) VCF-style: chr17-44109645-C-T.
Other names: c.2855G>A, p.Gly952Asp (NM_001193465.2, NM_001405856.1, NM_001405857.1 and 1 more transcripts); c.2858G>A, p.Gly953Asp (NM_001193466.2, NM_001379198.1, NM_001405854.1 and 1 more transcripts); c.2756G>A, p.Gly919Asp (NM_001405859.1, NM_001405860.1); c.2753G>A, p.Gly918Asp (NM_001405861.1); c.2733-112G>A (NM_001405881.1); c.2838-112G>A (NM_001405872.1, NM_001405874.1, NM_001405873.1); c.2669G>A, p.Gly890Asp (NM_001405875.1, NM_001405876.1, NM_001405877.1 and 1 more transcripts); c.2666G>A, p.Gly889Asp (NM_001405879.1, NM_001405880.1); and 4 more; short protein forms G531D, G918D, G952D, G468D, G889D, G890D, G467D, G530D.
Identifiers: ClinVar variation 3663484 (VCV003663484.2).